The following is an entry in ClinVar:

NM_001365951.3(KIF1B):c.4351G>A (p.Asp1451Asn)

Gene: KIF1B (kinesin family member 1B; plus strand). Cytogenetic location: 1p36.22.
Variant type: single nucleotide variant.
Coding change: c.4351G>A on transcript NM_001365951.3 (MANE Select); coding-DNA position 4351, G replaced by A.
Protein change: p.Asp1451Asn; replaces aspartic acid 1451 with asparagine.
Molecular consequence: missense variant.
Genome position (GRCh38, 1-based): chr1:10,363,329, G>A. VCF-style: chr1-10363329-G-A. GRCh37 (hg19) VCF-style: chr1-10423387-G-A.
Other names: c.4351G>A, p.Asp1451Asn (NM_001365952.1); c.4213G>A, p.Asp1405Asn (NM_015074.3); short protein forms D1405N, D1451N.
Identifiers: ClinVar variation 4543647 (VCV004543647.1).
Genomic context (GRCh38, chr1:10,363,329, plus strand): 5'-TTTTCTTCAAATAGGAATCGAGTCACTGGCATTTACGAACTCAGCTTATGCAAAATGTCA[G>A]ACACAGGTAGTCCAGGTAAGCTCTTGTGGATTGAGGAGGTGATAGTTATCTTTGTGTATG-3'
Protein context (NP_001352880.1, residues 1441-1461): IYELSLCKMS[Asp1451Asn]TGSPGMQRRR

ClinVar aggregate classification (germline): Uncertain significance (1 of 4 stars; one submission).

Submission:

Ambry Genetics
Classification: Uncertain significance. Last evaluated: 2025-10-17. Review status: criteria provided, single submitter. Criteria: Ambry Variant Classification Scheme 2023. Collection method: clinical testing. Allele origin: germline.
Comment: The p.D1405N variant (also known as c.4213G>A), located in coding exon 38 of the KIF1B gene, results from a G to A substitution at nucleotide position 4213. The aspartic acid at codon 1405 is replaced by asparagine, an amino acid with highly similar properties. This amino acid position is conserved. In addition, this alteration is predicted to be tolerated by in silico analysis. Based on the available evidence, the clinical significance of this variant remains unclear.